The following is an entry in ClinVar:

NM_144672.4(OTOA):c.1104+4C>G

Gene: OTOA (otoancorin). Cytogenetic location: 16p12.2.
Variant type: single nucleotide variant.
Coding change: c.1104+4C>G on transcript NM_144672.4 (MANE Select); 4 bases into the intron after coding-DNA position 1104, C replaced by G.
Molecular consequence: intron variant.
Genome position (GRCh38, 1-based): chr16:21,705,296, C>G. VCF-style: chr16-21705296-C-G. GRCh37 (hg19) VCF-style: chr16-21716617-C-G.
Other names: c.867+4C>G (NM_001161683.2); c.132+4C>G (NM_170664.3).
Identifiers: ClinVar variation 2580577 (VCV002580577.1), dbSNP rs373888713, ClinGen allele CA7952535.

ClinVar aggregate classification (germline): Uncertain significance (1 of 4 stars; one submission).

Allele frequency attached by ClinVar (database versions not stated): gnomAD exomes 0.00001; ExAC 0.00003; gnomAD 0.00003; TOPMed 0.00003; ESP Exome Variant Server 0.00008.
gnomAD v4.1: 23 of 1,613,528 alleles (0.0014%); highest among the groups gnomAD compares: Admixed American, 0.0083%; no homozygotes.

Submission:

GeneDx
Classification: Uncertain significance. Last evaluated: 2023-03-21. Review status: criteria provided, single submitter. Criteria: GeneDx Variant Classification Process June 2021. Collection method: clinical testing. Allele origin: germline. Affected: yes.
Comment: Has not been previously published as pathogenic or benign to our knowledge; In silico analysis is inconclusive as to whether the variant alters gene splicing. In the absence of RNA/functional studies, the actual effect of this sequence change is unknown.